The following is an entry in ClinVar:

ClinVar aggregate classification (germline): Uncertain significance. Review status: criteria provided, multiple submitters, no conflicts (2 of 4 stars). 2 submissions from 2 submitters: Uncertain significance (2). Last evaluated 2025-12-29.

Submissions (2):

Center for Genomic Medicine, Rigshospitalet, Copenhagen University Hospital
Classification: Uncertain significance. Last evaluated: 2025-12-29. Review status: criteria provided, single submitter. Criteria: ACMG Guidelines, 2015. Collection method: clinical testing. Allele origin: germline.

GeneDx
Classification: Uncertain significance. Last evaluated: 2025-06-30. Review status: criteria provided, single submitter. Criteria: GeneDx Variant Classification Process June 2021. Collection method: clinical testing. Allele origin: germline. Affected: yes.
Comment: In silico analysis suggests that this missense variant does not alter protein structure/function; Has not been previously published as pathogenic or benign to our knowledge

Literature cited by the submitters: PubMed 29331020 (cited by Center for Genomic Medicine, Rigshospitalet, Copenhagen University Hospital); PubMed 31298594 (cited by Center for Genomic Medicine, Rigshospitalet, Copenhagen University Hospital); PubMed 33181827 (cited by Center for Genomic Medicine, Rigshospitalet, Copenhagen University Hospital).

NM_001142864.4(PIEZO1):c.422G>A (p.Arg141His)

Gene: PIEZO1 (piezo type mechanosensitive ion channel component 1 (Er blood group); minus strand). Cytogenetic location: 16q24.3.
Variant type: single nucleotide variant.
Coding change: c.422G>A on transcript NM_001142864.4 (MANE Select); coding-DNA position 422, G replaced by A.
Protein change: p.Arg141His; replaces arginine 141 with histidine.
Molecular consequence: missense variant.
Genome position (GRCh38, 1-based): chr16:88,741,521, C>T on the plus strand (G>A on the coding strand, the complement: PIEZO1 is on the minus strand). VCF-style: chr16-88741521-C-T. GRCh37 (hg19) VCF-style: chr16-88807929-C-T.
Other names: c.422G>A (NM_001142864.2); short protein forms R141H.
Identifiers: ClinVar variation 4539163 (VCV004539163.2).